The following is an entry in ClinVar:

ClinVar aggregate classification (germline): Conflicting classifications of pathogenicity. Review status: criteria provided, conflicting classifications (1 of 4 stars). 3 submissions from 3 submitters: Uncertain significance (1); Likely benign (2). Last evaluated 2025-02-03.

Conditions:
Charcot-Marie-Tooth disease axonal type 2O. Also called: Charcot-Marie-Tooth Neuropathy Type 2O; CHARCOT-MARIE-TOOTH NEUROPATHY, AXONAL, TYPE 2O; CHARCOT-MARIE-TOOTH DISEASE, AXONAL, AUTOSOMAL DOMINANT, TYPE 2O; Charcot-Marie-Tooth disease, axonal, type 20. Identifiers: Orphanet 284232, MedGen C3280220, MONDO:0013644, OMIM 614228.

Allele frequency attached by ClinVar (database versions not stated): gnomAD 0.00001; gnomAD exomes 0.00002; TOPMed 0.00004.

Submissions (3):

Labcorp Genetics (formerly Invitae), Labcorp
Classification: Likely benign for Charcot-Marie-Tooth disease axonal type 2O. Last evaluated: 2025-02-03. Review status: criteria provided, single submitter. Criteria: Invitae Variant Classification Sherloc (09022015). Collection method: clinical testing. Allele origin: germline.

GeneDx
Classification: Uncertain significance. Last evaluated: 2021-03-09. Review status: criteria provided, single submitter. Criteria: GeneDx Variant Classification Process June 2021. Collection method: clinical testing. Allele origin: germline. Affected: yes.
Comment: In silico analysis, which includes protein predictors and evolutionary conservation, supports a deleterious effect; Has not been previously published as pathogenic or benign to our knowledge

Genetic Services Laboratory, University of Chicago
Classification: Likely benign. Last evaluated: 2015-03-17. Review status: criteria provided, single submitter. Criteria: ACMG Guidelines, 2015. Collection method: clinical testing. Allele origin: germline.

NM_001376.5(DYNC1H1):c.7403A>T (p.Asn2468Ile)

Gene: DYNC1H1 (dynein cytoplasmic 1 heavy chain 1; plus strand). Cytogenetic location: 14q32.31.
Variant type: single nucleotide variant.
Coding change: c.7403A>T on transcript NM_001376.5 (MANE Select); coding-DNA position 7403, A replaced by T.
Protein change: p.Asn2468Ile; replaces asparagine 2468 with isoleucine.
Molecular consequence: missense variant.
Genome position (GRCh38, 1-based): chr14:102,016,016, A>T. VCF-style: chr14-102016016-A-T. GRCh37 (hg19) VCF-style: chr14-102482353-A-T.
Other names: short protein forms N2468I.
Identifiers: ClinVar variation 210877 (VCV000210877.12), dbSNP rs797045532, ClinGen allele CA206358.